The following is an entry in ClinVar:

NM_206926.2(SELENON):c.1643G>A (p.Arg548Gln)

Gene: SELENON (selenoprotein N; plus strand). Cytogenetic location: 1p36.11.
Variant type: single nucleotide variant.
Coding change: c.1643G>A on transcript NM_206926.2 (MANE Select); coding-DNA position 1643, G replaced by A.
Protein change: p.Arg548Gln; replaces arginine 548 with glutamine.
Molecular consequence: missense variant.
Genome position (GRCh38, 1-based): chr1:25,815,690, G>A. VCF-style: chr1-25815690-G-A. GRCh37 (hg19) VCF-style: chr1-26142181-G-A.
Other names: p.Arg582Gln; c.1745G>A, p.Arg582Gln (NM_020451.3); short protein forms R582Q, R548Q.
Identifiers: ClinVar variation 261280 (VCV000261280.18), dbSNP rs74060854, ClinGen allele CA696980.
Genomic context (GRCh38, chr1:25,815,690, plus strand): 5'-CATCCACCTTTGAAGACCCGTCCACGGCCACCTACATGCAGTTCCTGAAGGAGGGACTCC[G>A]GCGTGGCCTGCCCCTCCTCCAGCCCTAGAGTGCCTGGACGGGATCTGATGCACAGGCCCC-3'
Protein context (NP_996809.1, residues 538-556): TYMQFLKEGL[Arg548Gln]RGLPLLQP

ClinVar aggregate classification (germline): Benign. Review status: criteria provided, multiple submitters, no conflicts (2 of 4 stars). 6 submissions from 6 submitters: Benign (6). Last evaluated 2026-02-03.

Conditions:
SEPN1-related disorder. Also called: SEPN1-Related Disorders. Identifiers: MedGen CN239420.
Eichsfeld type congenital muscular dystrophy (CMYO3). Also called: MYOPATHY, SEPN1-RELATED; Rigid spine muscular dystrophy 1; SELENON-related myopathy; Congenital myopathy 3 with rigid spine. Identifiers: MedGen C0410180, MONDO:0100100, OMIM 602771.

Allele frequency attached by ClinVar (database versions not stated): gnomAD exomes 0.00567; ExAC 0.00689; 1000 Genomes Project 0.02097; 1000 Genomes Project 30x 0.02155; gnomAD 0.02220 and 0.02376; ESP Exome Variant Server 0.02228; TOPMed 0.02495.
gnomAD v4.1: 6,876 of 1,614,058 alleles (0.43%); highest among the groups gnomAD compares: African/African-American, 7.6%; 246 homozygotes.

Submissions (6):

Labcorp Genetics (formerly Invitae), Labcorp
Classification: Benign for Eichsfeld type congenital muscular dystrophy. Last evaluated: 2026-02-03. Review status: criteria provided, single submitter. Criteria: Invitae Variant Classification Sherloc (09022015). Collection method: clinical testing. Allele origin: germline.

Mayo Clinic Laboratories, Mayo Clinic
Classification: Benign. Last evaluated: 2019-07-11. Review status: criteria provided, single submitter. Criteria: ACMG Guidelines, 2015. Collection method: clinical testing. Allele origin: germline. Observed: 12 variant alleles.

Illumina Laboratory Services, Illumina
Classification: Benign for SEPN1-Related Disorders. Last evaluated: 2018-01-13. Review status: criteria provided, single submitter. Criteria: ICSL Variant Classification Criteria 13 December 2019. Collection method: clinical testing. Allele origin: germline.
Comment: This variant was observed in the ICSL laboratory as part of a predisposition screen in an ostensibly healthy population. It had not been previously curated by ICSL or reported in the Human Gene Mutation Database (HGMD: prior to June 1st, 2018), and was therefore a candidate for classification through an automated scoring system. Utilizing variant allele frequency, disease prevalence and penetrance estimates, and inheritance mode, an automated score was calculated to assess if this variant is too frequent to cause the disease. Based on the score and internal cut-off values, a variant classified as benign is not then subjected to further curation. The score for this variant resulted in a classification of benign for this disease.

GeneDx
Classification: Benign. Last evaluated: 2016-05-26. Review status: criteria provided, single submitter. Criteria: GeneDx Variant Classification (06012015). Collection method: clinical testing. Allele origin: germline. Affected: yes.
Comment: This variant is considered likely benign or benign based on one or more of the following criteria: it is a conservative change, it occurs at a poorly conserved position in the protein, it is predicted to be benign by multiple in silico algorithms, and/or has population frequency not consistent with disease.

Breakthrough Genomics
Classification: Benign. Review status: criteria provided, single submitter. Criteria: ACMG Guidelines, 2015. Collection method: not provided. Allele origin: germline. Inheritance: Autosomal recessive inheritance. Affected: yes.

PreventionGenetics, part of Exact Sciences
Classification: Benign. Review status: criteria provided, single submitter. Criteria: ACMG Guidelines, 2015. Collection method: clinical testing. Allele origin: germline.